The following is an entry in ClinVar:

NM_024675.4(PALB2):c.2757_2774dup (p.Val925_Pro926insLeuGlnIleValProVal)

Gene: PALB2 (partner and localizer of BRCA2; minus strand). Cytogenetic location: 16p12.2.
Variant type: Duplication.
Coding change: c.2757_2774dup on transcript NM_024675.4 (MANE Select); coding-DNA positions 2757 to 2774, 18 bases duplicated (ATTACAGATAGTTCCAGT).
Protein change: p.Val925_Pro926insLeuGlnIleValProVal.
Molecular consequence: inframe insertion. On other transcripts: inframe indel (19).
Genome position (GRCh38, 1-based): chr16:23,624,069-23,624,086, ACTGGAACTATCTGTAAT duplicated on the plus strand (ATTACAGATAGTTCCAGT on the coding strand, the reverse complement: PALB2 is on the minus strand); duplicating any 18 consecutive bases within chr16:23,624,069-23,624,094 gives the same sequence; the c. name uses the placement nearest the transcript's 3' end. VCF-style (leftmost placement, unchanged base first): chr16-23624068-C-CACTGGAACTATCTGTAAT. GRCh37 (hg19) VCF-style: chr16-23635389-C-CACTGGAACTATCTGTAAT.
Other names: c.2689_2706dup, p.Val905_Pro906insLeuGlnIleValProVal (NM_001407296.1); c.2677_2694dup, p.Val901_Pro902insLeuGlnIleValProVal (NM_001407297.1); c.2587_2604dup, p.Val871_Pro872insLeuGlnIleValProVal (NM_001407298.1, NM_001407302.1); c.2749_2766dup, p.Val925_Pro926insLeuGlnIleValProVal (NM_001407299.1, NM_001407300.1, NM_001407301.1); c.1864_1881dup, p.Val630_Pro631insLeuGlnIleValProVal (NM_001407304.1, NM_001407305.1, NM_001407306.1 and 4 more transcripts); c.1702_1719dup, p.Val576_Pro577insLeuGlnIleValProVal (NM_001407307.1); c.961_978dup, p.Val329_Pro330insLeuGlnIleValProVal (NM_001407312.1, NM_001407313.1); c.283_300dup, p.Val103_Pro104insLeuGlnIleValProVal (NM_001407314.1); and 1 more.
Identifiers: ClinVar variation 1795613 (VCV001795613.2), dbSNP rs2506351085, ClinGen allele CA2580091257.

ClinVar aggregate classification (germline): Uncertain significance (1 of 4 stars; one submission).

Conditions:
Hereditary cancer-predisposing syndrome. Also called: Tumor predisposition; Hereditary Cancer Syndrome; Neoplastic Syndromes, Hereditary; Hereditary neoplastic syndrome. Identifiers: Orphanet 140162, MedGen C0027672, MeSH D009386, MONDO:0015356.

Submission:

Ambry Genetics
Classification: Uncertain significance for Hereditary cancer-predisposing syndrome. Last evaluated: 2020-09-15. Review status: criteria provided, single submitter. Criteria: Ambry Variant Classification Scheme 2023. Collection method: clinical testing. Allele origin: germline.
Comment: The c.2757_2774dup18 variant (also known as p.L920_V925dup), located in coding exon 8 of the PALB2 gene, results from an in-frame duplication of 18 nucleotides at nucleotide positions 2757 to 2774. This results in the duplication of 6 extra residues (LQIVPV) between codons 920 and 925. These amino acid positions are well conserved in available vertebrate species. In addition, this alteration is predicted to be deleterious by in silico analysis (Choi Y et al. PLoS ONE. 2012; 7(10):e46688). Since supporting evidence is limited at this time, the clinical significance of this alteration remains unclear.